The following is an entry in ClinVar:

ClinVar aggregate classification (germline): Likely benign (0 of 4 stars; one submission).

Conditions:
TMPRSS6-related disorder. Also called: TMPRSS6-related condition.

Allele frequency attached by ClinVar (database versions not stated): ExAC 0.00030; 1000 Genomes Project 0.00060; gnomAD 0.00073; 1000 Genomes Project 30x 0.00078; TOPMed 0.00086; ESP Exome Variant Server 0.00092.
gnomAD v4.1: 256 of 1,613,672 alleles (0.016%); highest among the groups gnomAD compares: African/African-American, 0.23%; no homozygotes.

Submission:

PreventionGenetics, part of Exact Sciences
Classification: Likely benign for TMPRSS6-related condition. Last evaluated: 2019-06-25. Review status: no assertion criteria provided. Collection method: clinical testing. Allele origin: germline.
Comment: This variant is classified as likely benign based on ACMG/AMP sequence variant interpretation guidelines (Richards et al. 2015 PMID: 25741868, with internal and published modifications).

NM_001374504.1(TMPRSS6):c.1161G>A (p.Pro387=)

Gene: TMPRSS6 (transmembrane serine protease 6; minus strand). Cytogenetic location: 22q12.3.
Variant type: single nucleotide variant.
Coding change: c.1161G>A on transcript NM_001374504.1 (MANE Select); coding-DNA position 1161, G replaced by A.
Protein change: p.Pro387=; no amino-acid change (proline 387 retained).
Molecular consequence: synonymous variant.
Genome position (GRCh38, 1-based): chr22:37,084,330, C>T on the plus strand (G>A on the coding strand, the complement: TMPRSS6 is on the minus strand). VCF-style: chr22-37084330-C-T. GRCh37 (hg19) VCF-style: chr22-37480370-C-T.
Other names: c.1161G>A, p.Pro387= (NM_001289000.2, NM_001289001.2, NM_153609.4).
Identifiers: ClinVar variation 3042671 (VCV003042671.2), dbSNP rs112333860, ClinGen allele CA10215750.